The following is an entry in ClinVar:

ClinVar aggregate classification (germline): Uncertain significance (1 of 4 stars; one submission).

Submission:

Women's Health and Genetics/Laboratory Corporation of America, LabCorp
Classification: Uncertain significance. Last evaluated: 2023-10-31. Review status: criteria provided, single submitter. Criteria: LabCorp Variant Classification Summary - May 2015. Collection method: clinical testing. Allele origin: germline.
Comment: Variant summary: CASR c.791C>G (p.Ala264Gly) results in a non-conservative amino acid change located in the Receptor, ligand binding region (IPR001828) of the encoded protein sequence. Five of five in-silico tools predict a damaging effect of the variant on protein function. The variant was absent in 251338 control chromosomes. The available data on variant occurrences in the general population are insufficient to allow any conclusion about variant significance. To our knowledge, no occurrence of c.791C>G in individuals affected with Autosomal Dominant Hypocalcemia and no experimental evidence demonstrating its impact on protein function have been reported. No submitters have cited clinical-significance assessments for this variant to ClinVar after 2014. Based on the evidence outlined above, the variant was classified as uncertain significance.

NM_000388.4(CASR):c.791C>G (p.Ala264Gly)

Gene: CASR (calcium sensing receptor; plus strand). Cytogenetic location: 3q21.1.
Variant type: single nucleotide variant.
Coding change: c.791C>G on transcript NM_000388.4 (MANE Select); coding-DNA position 791, C replaced by G.
Protein change: p.Ala264Gly; replaces alanine 264 with glycine.
Molecular consequence: missense variant.
Genome position (GRCh38, 1-based): chr3:122,261,826, C>G. VCF-style: chr3-122261826-C-G. GRCh37 (hg19) VCF-style: chr3-121980673-C-G.
Other names: c.791C>G, p.Ala264Gly (NM_001178065.2); short protein forms A264G.
Identifiers: ClinVar variation 2637581 (VCV002637581.1), dbSNP rs2473226501, ClinGen allele CA354151363.